The following is an entry in ClinVar:

ClinVar aggregate classification (germline): Uncertain significance. Review status: criteria provided, multiple submitters, no conflicts (2 of 4 stars). 2 submissions from 2 submitters: Uncertain significance (2). Last evaluated 2024-06-17.

Conditions:
Hennekam lymphangiectasia-lymphedema syndrome 2 (HKLLS2). Identifiers: Orphanet 2136, MedGen C4014939, MONDO:0014454, OMIM 616006.
Van Maldergem syndrome 2 (VMLDS2). Identifiers: Orphanet 314679, MedGen C3809875, MONDO:0014242, OMIM 615546.

Allele frequency attached by ClinVar (database versions not stated): gnomAD exomes below 0.00001; TOPMed below 0.00001; ExAC 0.00001; gnomAD 0.00001.
gnomAD v4.1: 6 of 1,448,650 alleles (0.00041%); highest among the groups gnomAD compares: Non-Finnish European, 0.00056%; no homozygotes.

Submissions (2):

Fulgent Genetics
Classification: Uncertain significance for Van Maldergem syndrome 2; Hennekam lymphangiectasia-lymphedema syndrome 2. Last evaluated: 2024-06-17. Review status: criteria provided, single submitter. Criteria: ACMG Guidelines, 2015. Collection method: clinical testing. Allele origin: germline.

Clinical Genomics Laboratory, Washington University in St. Louis
Classification: Uncertain significance for Hennekam lymphangiectasia-lymphedema syndrome 2. Last evaluated: 2024-03-19. Review status: criteria provided, single submitter. Criteria: ACMG Guidelines, 2015. Collection method: clinical testing. Allele origin: germline.
Comment: The FAT4 c.14468G>A (p.Arg4823Lys) variant was identified at a near-heterozygous allelic fraction consistent with germline origin. To our knowledge, this variant has not been reported in the medical literature and is only observed on 6/1,448,650 alleles in the general population (gnomAD v.4.0.0), indicating it is not a common variant. Computational predictors indicate that the variant is damaging, evidence that correlates with impact to FAT4 function. Due to limited information, and based on ACMG/AMP guidelines for variant interpretation (Richards S et al., PMID: 25741868), the clinical significance of this variant is uncertain at this time.

NM_001291303.3(FAT4):c.5914G>A (p.Asp1972Asn)

Gene: FAT4 (FAT atypical cadherin 4; plus strand). Cytogenetic location: 4q28.1.
Variant type: single nucleotide variant.
Coding change: c.5914G>A on transcript NM_001291303.3 (MANE Select); coding-DNA position 5914, G replaced by A.
Protein change: p.Asp1972Asn; replaces aspartic acid 1972 with asparagine.
Molecular consequence: missense variant.
Genome position (GRCh38, 1-based): chr4:125,408,788, G>A. VCF-style: chr4-125408788-G-A. GRCh37 (hg19) VCF-style: chr4-126329943-G-A.
Other names: c.5914G>A, p.Asp1972Asn (NM_001291285.3, NM_024582.6); c.5914G>A (NM_024582.5); short protein forms D1972N.
Identifiers: ClinVar variation 3237390 (VCV003237390.2), dbSNP rs776232362.
Genomic context (GRCh38, chr4:125,408,788, plus strand): 5'-TCTTTAATGGAGAATCTACCTGTGGGATCTACTGTTCTTGTGTTTAATGTTACTGATGCA[G>A]ATGATGGTATGTATTTTATTTAATATAATTTTTAAAACATCTATAAACTGTCATCAGATT-3'
Protein context (NP_001278232.1, residues 1962-1982): TVLVFNVTDA[Asp1972Asn]DGINSQLTYS